The following is an entry in ClinVar:

NM_000548.5(TSC2):c.391C>A (p.Pro131Thr)

Gene: TSC2 (TSC complex subunit 2; plus strand). Cytogenetic location: 16p13.3.
Variant type: single nucleotide variant.
Coding change: c.391C>A on transcript NM_000548.5 (MANE Select); coding-DNA position 391, C replaced by A.
Protein change: p.Pro131Thr; replaces proline 131 with threonine.
Molecular consequence: missense variant. On other transcripts: intron variant (1).
Genome position (GRCh38, 1-based): chr16:2,054,350, C>A. VCF-style: chr16-2054350-C-A. GRCh37 (hg19) VCF-style: chr16-2104351-C-A.
Other names: c.391C>A, p.Pro131Thr (NM_001077183.3, NM_001114382.3, NM_001363528.2 and 3 more transcripts); c.280C>A, p.Pro94Thr (NM_001318827.2); c.244C>A, p.Pro82Thr (NM_001318829.2); c.424C>A, p.Pro142Thr (NM_001318832.2); c.-1-1846C>A (NM_001318831.2); short protein forms P131T, P142T, P82T, P94T.
Identifiers: ClinVar variation 238032 (VCV000238032.9), dbSNP rs777398393, ClinGen allele CA10583281.

ClinVar aggregate classification (germline): Uncertain significance. Review status: criteria provided, multiple submitters, no conflicts (2 of 4 stars). 2 submissions from 2 submitters: Uncertain significance (2). Last evaluated 2024-02-01.

Conditions:
Hereditary cancer-predisposing syndrome. Also called: Tumor predisposition; Hereditary Cancer Syndrome; Hereditary neoplastic syndrome; Neoplastic Syndromes, Hereditary. Identifiers: Orphanet 140162, MedGen C0027672, MeSH D009386, MONDO:0015356.
Tuberous sclerosis 2 (TSC2). Identifiers: Orphanet 805, MedGen C1860707, MONDO:0013199, OMIM 613254.

gnomAD v4.1: 1 of 1,614,184 alleles (0.000062%); highest among the groups gnomAD compares: Non-Finnish European, 0.000085%; no homozygotes.

Submissions (2):

Ambry Genetics
Classification: Uncertain significance for Hereditary cancer-predisposing syndrome. Last evaluated: 2024-02-01. Review status: criteria provided, single submitter. Criteria: Ambry Variant Classification Scheme 2023. Collection method: clinical testing. Allele origin: germline.
Comment: The p.P131T variant (also known as c.391C>A), located in coding exon 4 of the TSC2 gene, results from a C to A substitution at nucleotide position 391. The proline at codon 131 is replaced by threonine, an amino acid with highly similar properties. This amino acid position is conserved. In addition, the in silico prediction for this alteration is inconclusive. Based on the available evidence, the clinical significance of this alteration remains unclear.

Labcorp Genetics (formerly Invitae), Labcorp
Classification: Uncertain significance for Tuberous sclerosis 2. Last evaluated: 2023-01-19. Review status: criteria provided, single submitter. Criteria: Invitae Variant Classification Sherloc (09022015). Collection method: clinical testing. Allele origin: germline.
Comment: In summary, the available evidence is currently insufficient to determine the role of this variant in disease. Therefore, it has been classified as a Variant of Uncertain Significance. Advanced modeling of protein sequence and biophysical properties (such as structural, functional, and spatial information, amino acid conservation, physicochemical variation, residue mobility, and thermodynamic stability) performed at Invitae indicates that this missense variant is not expected to disrupt TSC2 protein function. ClinVar contains an entry for this variant (Variation ID: 238032). This variant has not been reported in the literature in individuals affected with TSC2-related conditions. This variant is not present in population databases (gnomAD no frequency). This sequence change replaces proline, which is neutral and non-polar, with threonine, which is neutral and polar, at codon 131 of the TSC2 protein (p.Pro131Thr).